The following is an entry in ClinVar:

ClinVar aggregate classification (germline): Uncertain significance. Review status: criteria provided, multiple submitters, no conflicts (2 of 4 stars). 2 submissions from 2 submitters: Uncertain significance (2). Last evaluated 2024-10-05.

Conditions:
Cognitive impairment - coarse facies - heart defects - obesity - pulmonary involvement - short stature - skeletal dysplasia syndrome. Also called: COGNITIVE IMPAIRMENT, COARSE FACIES, HEART DEFECTS, OBESITY, PULMONARY INVOLVEMENT, SHORT STATURE, AND SKELETAL DYSPLASIA; Chops syndrome; AFF4-Related CHOPS Syndrome. Identifiers: Orphanet 444077, MedGen C4085597, MONDO:0014609, OMIM 616368.

Allele frequency attached by ClinVar (database versions not stated): gnomAD exomes below 0.00001; ExAC 0.00001; gnomAD 0.00001; TOPMed 0.00001.
gnomAD v4.1: 5 of 1,614,074 alleles (0.00031%); highest among the groups gnomAD compares: Non-Finnish European, 0.00034%; no homozygotes.

Submissions (2):

Labcorp Genetics (formerly Invitae), Labcorp
Classification: Uncertain significance for Cognitive impairment - coarse facies - heart defects - obesity - pulmonary involvement - short stature - skeletal dysplasia syndrome. Last evaluated: 2024-10-05. Review status: criteria provided, single submitter. Criteria: Invitae Variant Classification Sherloc (09022015). Collection method: clinical testing. Allele origin: germline.
Comment: This sequence change replaces serine, which is neutral and polar, with threonine, which is neutral and polar, at codon 146 of the AFF4 protein (p.Ser146Thr). This variant is present in population databases (rs758814088, gnomAD 0.002%). This variant has not been reported in the literature in individuals affected with AFF4-related conditions. An algorithm developed to predict the effect of missense changes on protein structure and function (PolyPhen-2) suggests that this variant is likely to be tolerated. In summary, the available evidence is currently insufficient to determine the role of this variant in disease. Therefore, it has been classified as a Variant of Uncertain Significance.

Women's Health and Genetics/Laboratory Corporation of America, LabCorp
Classification: Uncertain significance. Last evaluated: 2023-12-20. Review status: criteria provided, single submitter. Criteria: LabCorp Variant Classification Summary - May 2015. Collection method: clinical testing. Allele origin: germline.
Comment: Variant summary: AFF4 c.437G>C (p.Ser146Thr) results in a conservative amino acid change in the encoded protein sequence. Four of five in-silico tools predict a benign effect of the variant on protein function. The variant allele was found at a frequency of 8e-06 in 251486 control chromosomes. The available data on variant occurrences in the general population are insufficient to allow any conclusion about variant significance. To our knowledge, no occurrence of c.437G>C in individuals affected with Chops Syndrome and no experimental evidence demonstrating its impact on protein function have been reported. No submitters have cited clinical-significance assessments for this variant to ClinVar after 2014. Based on the evidence outlined above, the variant was classified as uncertain significance.

NM_014423.4(AFF4):c.437G>C (p.Ser146Thr)

Gene: AFF4 (ALF transcription elongation factor 4; minus strand). Cytogenetic location: 5q31.1.
Variant type: single nucleotide variant.
Coding change: c.437G>C on transcript NM_014423.4 (MANE Select); coding-DNA position 437, G replaced by C.
Protein change: p.Ser146Thr; replaces serine 146 with threonine.
Molecular consequence: missense variant.
Genome position (GRCh38, 1-based): chr5:132,934,628, C>G on the plus strand (G>C on the coding strand, the complement: AFF4 is on the minus strand). VCF-style: chr5-132934628-C-G. GRCh37 (hg19) VCF-style: chr5-132270320-C-G.
Other names: short protein forms S146T.
Identifiers: ClinVar variation 2691358 (VCV002691358.3), dbSNP rs758814088, ClinGen allele CA3409436.